The following is an entry in ClinVar:

NM_000426.4(LAMA2):c.8920A>T (p.Thr2974Ser)

Gene: LAMA2 (laminin subunit alpha 2; plus strand). Cytogenetic location: 6q22.33.
Variant type: single nucleotide variant.
Coding change: c.8920A>T on transcript NM_000426.4 (MANE Select); coding-DNA position 8920, A replaced by T.
Protein change: p.Thr2974Ser; replaces threonine 2974 with serine.
Molecular consequence: missense variant.
Genome position (GRCh38, 1-based): chr6:129,512,425, A>T. VCF-style: chr6-129512425-A-T. GRCh37 (hg19) VCF-style: chr6-129833570-A-T.
Other names: c.8908A>T, p.Thr2970Ser (NM_001079823.2); short protein forms T2974S, T2970S.
Identifiers: ClinVar variation 477524 (VCV000477524.24), dbSNP rs140202046, ClinGen allele CA3994972.

ClinVar aggregate classification (germline): Conflicting classifications of pathogenicity. Review status: criteria provided, conflicting classifications (1 of 4 stars). 8 submissions from 7 submitters: Uncertain significance (7); Likely benign (1). Last evaluated 2025-12-16.

Conditions:
Merosin deficient congenital muscular dystrophy (MDC1A). Also called: Congenital merosin-deficient muscular dystrophy 1A; Congenital Muscular Dystrophy Type 1A (MDC1A). Identifiers: Orphanet 258, MedGen C1263858, MONDO:0011925, OMIM 607855.
Inborn genetic diseases. Identifiers: MedGen C0950123, MeSH D030342.
Muscular dystrophy, limb-girdle, autosomal recessive 23. Identifiers: Orphanet 565837, MedGen C4748327, MONDO:0029136, OMIM 618138.
LAMA2-related muscular dystrophy (LAMA2-RD). Also called: Laminin alpha 2-related dystrophy. Identifiers: MedGen C5679788, MONDO:0100228.

Allele frequency attached by ClinVar (database versions not stated): gnomAD exomes 0.00003; ESP Exome Variant Server 0.00015; gnomAD 0.00017 and 0.00021; TOPMed 0.00038.
gnomAD v4.1: 72 of 1,613,296 alleles (0.0045%); highest among the groups gnomAD compares: African/African-American, 0.079%; no homozygotes.

Submissions (8):

Labcorp Genetics (formerly Invitae), Labcorp
Classification: Likely benign for LAMA2-related muscular dystrophy. Last evaluated: 2025-12-16. Review status: criteria provided, single submitter. Criteria: Invitae Variant Classification Sherloc (09022015). Collection method: clinical testing. Allele origin: germline.

GeneDx
Classification: Uncertain significance. Last evaluated: 2025-03-04. Review status: criteria provided, single submitter. Criteria: GeneDx Variant Classification Process June 2021. Collection method: clinical testing. Allele origin: germline. Affected: yes.
Comment: In silico analysis indicates that this missense variant does not alter protein structure/function; Has not been previously published as pathogenic or benign to our knowledge

Blueprint Genetics
Classification: Uncertain significance. Last evaluated: 2024-11-26. Review status: criteria provided, single submitter. Criteria: ACMG Guidelines, 2015. Collection method: clinical testing. Allele origin: germline.

Ambry Genetics
Classification: Uncertain significance for Inborn genetic diseases. Last evaluated: 2024-08-26. Review status: criteria provided, single submitter. Criteria: Ambry Variant Classification Scheme 2023. Collection method: clinical testing. Allele origin: germline.

New York Genome Center
Classification: Uncertain significance for Merosin deficient congenital muscular dystrophy. Last evaluated: 2020-05-14. Review status: criteria provided, single submitter. Criteria: NYGC Assertion Criteria 2020. Collection method: clinical testing. Allele origin: germline. Inheritance: Autosomal recessive inheritance. Observed: 1 heterozygote. Study: CSER-NYCKidSeq.

New York Genome Center
Classification: Uncertain significance for Muscular dystrophy, limb-girdle, autosomal recessive 23. Last evaluated: 2020-05-14. Review status: criteria provided, single submitter. Criteria: NYGC Assertion Criteria 2020. Collection method: clinical testing. Allele origin: germline. Inheritance: Autosomal recessive inheritance. Observed: 1 heterozygote. Study: CSER-NYCKidSeq.

Revvity Omics, Revvity
Classification: Uncertain significance. Last evaluated: 2019-08-06. Review status: criteria provided, single submitter. Criteria: ACMG Guidelines, 2015. Collection method: clinical testing. Allele origin: germline.

Eurofins Ntd Llc (ga)
Classification: Uncertain significance. Last evaluated: 2017-12-11. Review status: criteria provided, single submitter. Criteria: EGL Classification Definitions 2015. Collection method: clinical testing. Allele origin: germline. Observed: 1 variant allele, 1 heterozygote.